The following is an entry in ClinVar:

NM_001367624.2(ZNF469):c.9817C>T (p.Pro3273Ser)

Gene: ZNF469 (zinc finger protein 469; plus strand). Cytogenetic location: 16q24.2.
Variant type: single nucleotide variant.
Coding change: c.9817C>T on transcript NM_001367624.2 (MANE Select); coding-DNA position 9817, C replaced by T.
Protein change: p.Pro3273Ser; replaces proline 3273 with serine.
Molecular consequence: missense variant.
Genome position (GRCh38, 1-based): chr16:88,437,287, C>T. VCF-style: chr16-88437287-C-T. GRCh37 (hg19) VCF-style: chr16-88503695-C-T.
Other names: NM_001127464.2:c.9733C>T; p.Pro3273Ser; short protein forms P3273S.
Identifiers: ClinVar variation 1702164 (VCV001702164.7), dbSNP rs1906656468, ClinGen allele CA397124780.
Genomic context (GRCh38, chr16:88,437,287, plus strand): 5'-GGAGACCCGTGGGGGCAAGAGGGAGAAGCCAAGAAAGACAGCCCGGGCGAGAGGGCGAAA[C>T]CCCGGGCACGCAGCACCCCCAGCAACCCAGACGGGGCCGCGACCCCAGACAGCGCCTCTG-3'
Protein context (NP_001354553.1, residues 3263-3283): KKDSPGERAK[Pro3273Ser]RARSTPSNPD

ClinVar aggregate classification (germline): Uncertain significance. Review status: criteria provided, multiple submitters, no conflicts (2 of 4 stars). 3 submissions from 3 submitters: Uncertain significance (3). Last evaluated 2025-12-24.

Conditions:
Ehlers-Danlos syndrome (EDS). Identifiers: Orphanet 98249, MedGen C0013720, MONDO:0020066.

Allele frequency attached by ClinVar (database versions not stated): gnomAD exomes 0.00001; TOPMed 0.00001.

Submissions (3):

Labcorp Genetics (formerly Invitae), Labcorp
Classification: Uncertain significance. Last evaluated: 2025-12-24. Review status: criteria provided, single submitter. Criteria: Invitae Variant Classification Sherloc (09022015). Collection method: clinical testing. Allele origin: germline.
Comment: This sequence change replaces proline, which is neutral and non-polar, with serine, which is neutral and polar, at codon 3245 of the ZNF469 protein (p.Pro3245Ser). This variant is not present in population databases (gnomAD no frequency). This variant has not been reported in the literature in individuals affected with ZNF469-related conditions. ClinVar contains an entry for this variant (Variation ID: 1702164). An algorithm developed to predict the effect of missense changes on protein structure and function outputs the following: PolyPhen-2: "Benign". The serine amino acid residue is found in multiple mammalian species, which suggests that this missense change does not adversely affect protein function. In summary, the available evidence is currently insufficient to determine the role of this variant in disease. Therefore, it has been classified as a Variant of Uncertain Significance.

Mayo Clinic Laboratories, Mayo Clinic
Classification: Uncertain significance. Last evaluated: 2023-11-16. Review status: criteria provided, single submitter. Criteria: ACMG Guidelines, 2015. Collection method: clinical testing. Allele origin: germline. Observed: 1 variant allele.
Comment: BP4, PM2

Genome Diagnostics Laboratory, The Hospital for Sick Children
Classification: Uncertain significance for Ehlers-Danlos syndrome. Last evaluated: 2019-12-01. Review status: criteria provided, single submitter. Criteria: ACMG Guidelines, 2015. Collection method: clinical testing. Allele origin: germline.